The following is an entry in ClinVar:

NM_001377.3(DYNC2H1):c.5929A>G (p.Ile1977Val)

Gene: DYNC2H1 (dynein cytoplasmic 2 heavy chain 1; plus strand). Cytogenetic location: 11q22.3.
Variant type: single nucleotide variant.
Coding change: c.5929A>G on transcript NM_001377.3 (MANE Select); coding-DNA position 5929, A replaced by G.
Protein change: p.Ile1977Val; replaces isoleucine 1977 with valine.
Molecular consequence: missense variant.
Genome position (GRCh38, 1-based): chr11:103,177,610, A>G. VCF-style: chr11-103177610-A-G. GRCh37 (hg19) VCF-style: chr11-103048339-A-G.
Other names: c.5929A>G, p.Ile1977Val (NM_001080463.2); short protein forms I1977V.
Identifiers: ClinVar variation 4756042 (VCV004756042.1).

ClinVar aggregate classification (germline): Uncertain significance (1 of 4 stars; one submission).

gnomAD v4.1: 7 of 1,613,172 alleles (0.00043%); highest among the groups gnomAD compares: Non-Finnish European, 0.00059%; no homozygotes.

Submission:

GeneDx
Classification: Uncertain significance. Last evaluated: 2025-08-04. Review status: criteria provided, single submitter. Criteria: GeneDx Variant Classification Process June 2021. Collection method: clinical testing. Allele origin: germline. Affected: yes.
Comment: Not observed at significant frequency in large population cohorts (gnomAD); In silico analysis suggests that this missense variant does not alter protein structure/function; Has not been previously published as pathogenic or benign to our knowledge